The following is an entry in ClinVar:

NM_002579.3(PALM):c.85G>C (p.Glu29Gln)

Gene: PALM (paralemmin; plus strand). Cytogenetic location: 19p13.3.
Variant type: single nucleotide variant.
Coding change: c.85G>C on transcript NM_002579.3 (MANE Select); coding-DNA position 85, G replaced by C.
Protein change: p.Glu29Gln; replaces glutamic acid 29 with glutamine.
Molecular consequence: missense variant.
Genome position (GRCh38, 1-based): chr19:727,035, G>C. VCF-style: chr19-727035-G-C. GRCh37 (hg19) VCF-style: chr19-727035-G-C.
Other names: c.85G>C, p.Glu29Gln (NM_001040134.2); short protein forms E29Q.
Identifiers: ClinVar variation 2759009 (VCV002759009.3), dbSNP rs2032689585, ClinGen allele CA402878347.

ClinVar aggregate classification (germline): Uncertain significance (1 of 4 stars; one submission).

Allele frequency attached by ClinVar (database versions not stated): gnomAD 0.00001.
gnomAD v4.1: 3 of 1,507,856 alleles (0.0002%); highest among the groups gnomAD compares: Admixed American, 0.002%; no homozygotes.

Submission:

Labcorp Genetics (formerly Invitae), Labcorp
Classification: Uncertain significance. Last evaluated: 2023-09-08. Review status: criteria provided, single submitter. Criteria: Invitae Variant Classification Sherloc (09022015). Collection method: clinical testing. Allele origin: germline.
Comment: This variant is not present in population databases (gnomAD no frequency). In summary, the available evidence is currently insufficient to determine the role of this variant in disease. Therefore, it has been classified as a Variant of Uncertain Significance. An algorithm developed to predict the effect of missense changes on protein structure and function (PolyPhen-2) suggests that this variant is likely to be disruptive. This variant has not been reported in the literature in individuals affected with PALM-related conditions. This sequence change replaces glutamic acid, which is acidic and polar, with glutamine, which is neutral and polar, at codon 29 of the PALM protein (p.Glu29Gln).